The following is an entry in ClinVar:

NM_001130438.3(SPTAN1):c.238-9C>T

Gene: SPTAN1 (spectrin alpha, non-erythrocytic 1; plus strand). Cytogenetic location: 9q34.11.
Variant type: single nucleotide variant.
Coding change: c.238-9C>T on transcript NM_001130438.3 (MANE Select); 9 bases into the intron before coding-DNA position 238, C replaced by T.
Molecular consequence: intron variant.
Genome position (GRCh38, 1-based): chr9:128,568,763, C>T. VCF-style: chr9-128568763-C-T. GRCh37 (hg19) VCF-style: chr9-131331042-C-T.
Other names: c.238-9C>T (NM_001363759.2, NM_003127.4, NM_001363765.2 and 1 more transcripts).
Identifiers: ClinVar variation 378646 (VCV000378646.10), dbSNP rs367687143, ClinGen allele CA5264134.

ClinVar aggregate classification (germline): Likely benign. Review status: criteria provided, multiple submitters, no conflicts (2 of 4 stars). 2 submissions from 2 submitters: Likely benign (2). Last evaluated 2025-11-06.

Conditions:
Early-infantile DEE. Also called: Early infantile epileptic encephalopathy; Ohtahara syndrome; Early infantile epileptic encephalopathy with suppression bursts. Identifiers: Orphanet 1934, MedGen C0393706, MONDO:0800491.

Allele frequency attached by ClinVar (database versions not stated): ExAC 0.00002; gnomAD exomes 0.00002; gnomAD 0.00005 and 0.00006; TOPMed 0.00006; ESP Exome Variant Server 0.00008.
gnomAD v4.1: 41 of 1,613,754 alleles (0.0025%); highest among the groups gnomAD compares: African/African-American, 0.012%; no homozygotes.

Submissions (2):

Labcorp Genetics (formerly Invitae), Labcorp
Classification: Likely benign for Early-infantile DEE. Last evaluated: 2025-11-06. Review status: criteria provided, single submitter. Criteria: Invitae Variant Classification Sherloc (09022015). Collection method: clinical testing. Allele origin: germline.

GeneDx
Classification: Likely benign. Last evaluated: 2016-11-29. Review status: criteria provided, single submitter. Criteria: GeneDx Variant Classification (06012015). Collection method: clinical testing. Allele origin: germline. Affected: yes.
Comment: This variant is considered likely benign or benign based on one or more of the following criteria: it is a conservative change, it occurs at a poorly conserved position in the protein, it is predicted to be benign by multiple in silico algorithms, and/or has population frequency not consistent with disease.